The following is an entry in ClinVar:

ClinVar aggregate classification (germline): Pathogenic. Review status: criteria provided, single submitter (1 of 4 stars). 2 submissions from 2 submitters: Pathogenic (1). 1 of the submissions does not count toward it. Last evaluated 2025-02-24.

Conditions:
Tuberous sclerosis syndrome (TSC). Also called: Tuberous Sclerosis Complex; Tuberous sclerosis. Identifiers: Orphanet 805, MedGen C0041341, MONDO:0001734.
Tuberous sclerosis 2 (TSC2). Identifiers: Orphanet 805, MedGen C1860707, MONDO:0013199, OMIM 613254.

Submissions (2):

Dasa
Classification: Pathogenic for Tuberous sclerosis 2. Last evaluated: 2025-02-24. Review status: criteria provided, single submitter. Criteria: DASA Assertion Criteria. Collection method: clinical testing. Allele origin: germline.
Comment: NM_000548.5(TSC2):c.2742+1G>T disrupts a canonical splice donor site and is predicted to result in loss of normal protein function. Loss-of-function is an established mechanism of disease for this gene. Based on the available data, this variant is classified as pathogenic.

Tuberous sclerosis database (TSC2)
No classification provided. Condition: TSC. Review status: no classification provided. Criteria: Tuberous Sclerosis Database Assertion Criteria 2015. Collection method: curation. Allele origin: germline. Affected: yes. Not counted in ClinVar's aggregate classification.

NM_000548.5(TSC2):c.2742+1G>T

Gene: TSC2 (TSC complex subunit 2; plus strand). Cytogenetic location: 16p13.3.
Variant type: single nucleotide variant.
Coding change: c.2742+1G>T on transcript NM_000548.5 (MANE Select); the canonical splice donor site of the intron after coding-DNA position 2742, G replaced by T.
Molecular consequence: splice donor variant.
Genome position (GRCh38, 1-based): chr16:2,076,171, G>T. VCF-style: chr16-2076171-G-T. GRCh37 (hg19) VCF-style: chr16-2126172-G-T.
Other names: c.2142+1G>T (NM_001406684.1, NM_001406685.1, NM_001318831.2 and 6 more transcripts); c.2685+1G>T (NM_001406677.1); c.2595+1G>T (NM_001406675.1, NM_001406676.1, NM_001318829.2 and 1 more transcripts); c.2775+1G>T (NM_001318832.2); c.1398+1G>T (NM_001406693.1, NM_001406689.1, NM_001406690.1 and 6 more transcripts); c.2832+1G>T (NM_001406667.1, NM_001406668.1); c.1140+1G>T (NM_001406698.1); c.2742+1G>T (NM_001114382.3, NM_001406663.1, NM_001406664.1 and 6 more transcripts); and 3 more.
Identifiers: ClinVar variation 50102 (VCV000050102.3), dbSNP rs45517262, ClinGen allele CA017996.
Genomic context (GRCh38, chr16:2,076,171, plus strand): 5'-ATGTGGTTCATCAGGTGCCGCCTGCCCTTCCGGAAGGATTTTGTCCCTTTCATCACTAAG[G>T]TGGGCTCAGGGCCGGTGAAGGCTGTGTCTCTCGGTAGGCCAGGGCTTGCTTTGCCCTTGG-3'